The following is an entry in ClinVar:

ClinVar aggregate classification (germline): Uncertain significance (1 of 4 stars; one submission).

Conditions:
Myasthenic syndrome, congenital, 22 (CMS22). Also called: PREPL DEFICIENCY. Identifiers: MedGen C4479088, MONDO:0044299, OMIM 616224.

Submission:

Labcorp Genetics (formerly Invitae), Labcorp
Classification: Uncertain significance for Myasthenic syndrome, congenital, 22. Last evaluated: 2023-06-17. Review status: criteria provided, single submitter. Criteria: Invitae Variant Classification Sherloc (09022015). Collection method: clinical testing. Allele origin: germline.
Comment: This sequence change replaces proline, which is neutral and non-polar, with threonine, which is neutral and polar, at codon 635 of the PREPL protein (p.Pro635Thr). This variant is not present in population databases (gnomAD no frequency). This variant has not been reported in the literature in individuals affected with PREPL-related conditions. Advanced modeling of protein sequence and biophysical properties (such as structural, functional, and spatial information, amino acid conservation, physicochemical variation, residue mobility, and thermodynamic stability) has been performed at Invitae for this missense variant, however the output from this modeling did not meet the statistical confidence thresholds required to predict the impact of this variant on PREPL protein function. In summary, the available evidence is currently insufficient to determine the role of this variant in disease. Therefore, it has been classified as a Variant of Uncertain Significance.

NM_001171613.2(PREPL):c.1636C>A (p.Pro546Thr)

Gene: PREPL (prolyl endopeptidase like; minus strand). Cytogenetic location: 2p21.
Variant type: single nucleotide variant.
Coding change: c.1636C>A on transcript NM_001171613.2 (MANE Select); coding-DNA position 1636, C replaced by A.
Protein change: p.Pro546Thr; replaces proline 546 with threonine.
Molecular consequence: missense variant.
Genome position (GRCh38, 1-based): chr2:44,322,848, G>T on the plus strand (C>A on the coding strand, the complement: PREPL is on the minus strand). VCF-style: chr2-44322848-G-T. GRCh37 (hg19) VCF-style: chr2-44549987-G-T.
Other names: c.1717C>A, p.Pro573Thr (NM_001042385.2); c.1705C>A, p.Pro569Thr (NM_001042386.2); c.1903C>A, p.Pro635Thr (NM_001171603.1, NM_001171606.2, NM_001374275.1 and 2 more transcripts); c.1636C>A, p.Pro546Thr (NM_001171617.1, NM_001374277.1); short protein forms P569T, P573T, P546T, P635T.
Identifiers: ClinVar variation 2848934 (VCV002848934.3), dbSNP rs749545849, ClinGen allele CA346688643.